The following is an entry in ClinVar:

NM_001966.4(EHHADH):c.1186C>T (p.Leu396Phe)

Gene: EHHADH (enoyl-CoA hydratase and 3-hydroxyacyl CoA dehydrogenase; minus strand). Cytogenetic location: 3q27.2.
Variant type: single nucleotide variant.
Coding change: c.1186C>T on transcript NM_001966.4 (MANE Select); coding-DNA position 1186, C replaced by T.
Protein change: p.Leu396Phe; replaces leucine 396 with phenylalanine.
Molecular consequence: missense variant.
Genome position (GRCh38, 1-based): chr3:185,193,212, G>A on the plus strand (C>T on the coding strand, the complement: EHHADH is on the minus strand). VCF-style: chr3-185193212-G-A. GRCh37 (hg19) VCF-style: chr3-184911000-G-A.
Other names: c.898C>T, p.Leu300Phe (NM_001166415.2); short protein forms L396F, L300F.
Identifiers: ClinVar variation 4998720 (VCV004998720.1).

ClinVar aggregate classification (germline): Uncertain significance (1 of 4 stars; one submission).

Conditions:
EHHADH-related disorder. Also called: EHHADH-related condition.

gnomAD v4.1: 2 of 1,610,482 alleles (0.00012%); highest among the groups gnomAD compares: African/African-American, 0.0027%; no homozygotes.

Submission:

PreventionGenetics, part of Exact Sciences
Classification: Uncertain significance for EHHADH-related condition. Last evaluated: 2026-07-11. Review status: criteria provided, single submitter. Criteria: ACMG Guidelines, 2015. Collection method: clinical testing. Allele origin: germline.
Comment: The EHHADH c.1186C>T variant is predicted to result in the amino acid substitution p.Leu396Phe. To our knowledge, this variant has not been reported in the literature. This variant is reported in 0.0040% of alleles in individuals of African descent in gnomAD. At this time, the clinical significance of this variant is uncertain due to the absence of conclusive functional and genetic evidence.